The following is an entry in ClinVar:

NM_006767.4(LZTR1):c.2118_2121del (p.Asn707fs)

Gene: LZTR1 (leucine zipper like post translational regulator 1; plus strand). Cytogenetic location: 22q11.21.
Variant type: Deletion.
Coding change: c.2118_2121del on transcript NM_006767.4 (MANE Select); coding-DNA positions 2118 to 2121, 4 bases deleted (GAAC; older notation c.2118_2121delGAAC).
Protein change: p.Asn707fs; shifts the reading frame from asparagine 707.
Molecular consequence: frameshift variant.
Genome position (GRCh38, 1-based): chr22:20,996,011-20,996,014, GAAC deleted. VCF-style (leftmost placement, unchanged base first): chr22-20996010-TGAAC-T. GRCh37 (hg19) VCF-style: chr22-21350299-TGAAC-T.
Other names: short protein forms N707fs.
Identifiers: ClinVar variation 4859377 (VCV004859377.1).

ClinVar aggregate classification (germline): Pathogenic (1 of 4 stars; one submission).

Conditions:
Cardiovascular phenotype. Identifiers: MedGen CN230736.
Hereditary cancer-predisposing syndrome. Also called: Neoplastic Syndromes, Hereditary; Tumor predisposition; Hereditary Cancer Syndrome; Hereditary neoplastic syndrome. Identifiers: Orphanet 140162, MedGen C0027672, MeSH D009386, MONDO:0015356.

Submission:

Ambry Genetics
Classification: Pathogenic for Cardiovascular phenotype; Hereditary cancer-predisposing syndrome. Last evaluated: 2026-04-09. Review status: criteria provided, single submitter. Criteria: Ambry Variant Classification Scheme 2023. Collection method: clinical testing. Allele origin: germline.
Comment: The c.2118_2121delGAAC pathogenic mutation, located in coding exon 18 of the LZTR1 gene, results from a deletion of 4 nucleotides at nucleotide positions 2118 to 2121, causing a translational frameshift with a predicted alternate stop codon (p.N707Sfs*59). This variant is considered to be rare based on population cohorts in the Genome Aggregation Database (gnomAD). This alteration is expected to result in loss of function by premature protein truncation or nonsense-mediated mRNA decay. Loss-of-function variants in LZTR1 are related to an increased risk for schwannomas and autosomal recessive Noonan syndrome; however, such associations with autosomal dominant Noonan syndrome have not been observed (Piotrowski A et al. Nat Genet. 2014 Feb;46:182-7; Yamamoto GL et al. J Med Genet. 2015 Jun;52:413-21; Johnston JJ et al. Genet Med. 2018 10;20:1175-1185). Based on the supporting evidence, this variant is pathogenic for an increased risk of LZTR1-related schwannomatosis (SWN) and would be expected to cause autosomal recessive Noonan syndrome when present along with a second pathogenic or likely pathogenic variant on the other allele; however, the association of this variant with autosomal dominant Noonan syndrome is unlikely.